The following is an entry in ClinVar:

NM_000051.4(ATM):c.1568del (p.Phe523fs)

Gene: ATM (ATM serine/threonine kinase; plus strand). Cytogenetic location: 11q22.3.
Variant type: Deletion.
Coding change: c.1568del on transcript NM_000051.4 (MANE Select); coding-DNA position 1568, one base deleted (T; older notation c.1568delT).
Protein change: p.Phe523fs; shifts the reading frame from phenylalanine 523.
Molecular consequence: frameshift variant.
Genome position (GRCh38, 1-based): chr11:108,251,033, T deleted; the last of 2 consecutive T bases (chr11:108,251,032-108,251,033); deleting either gives the same sequence. VCF-style (leftmost placement, unchanged base first): chr11-108251031-AT-A. GRCh37 (hg19) VCF-style: chr11-108121758-AT-A.
Other names: c.1568del (NM_000051.3); c.1568delT, p.Phe523Serfs (NM_000051.3); c.1568del, p.Phe523fs (NM_001351834.2); short protein forms F523fs.
Identifiers: ClinVar variation 4713164 (VCV004713164.2).

ClinVar aggregate classification (germline): Pathogenic/Likely pathogenic. Review status: criteria provided, multiple submitters, no conflicts (2 of 4 stars). 2 submissions from 2 submitters: Pathogenic (1); Likely pathogenic (1). Last evaluated 2025-04-28.

Conditions:
Ataxia-telangiectasia syndrome (AT). Also called: AT, COMPLEMENTATION GROUP C; Ataxia-telangiectasia, complementation group D; Cerebello-oculocutaneous telangiectasia; Immunodeficiency with ataxia telangiectasia; LOUIS-BAR SYNDROME; Ataxia telangiectasia (A-T). Identifiers: Orphanet 100, MedGen C0004135, MONDO:0008840, OMIM 208900.

Submissions (2):

Labcorp Genetics (formerly Invitae), Labcorp
Classification: Pathogenic for Ataxia-telangiectasia syndrome. Last evaluated: 2025-04-28. Review status: criteria provided, single submitter. Criteria: Invitae Variant Classification Sherloc (09022015). Collection method: clinical testing. Allele origin: germline.
Comment: This sequence change creates a premature translational stop signal (p.Phe523Serfs*20) in the ATM gene. It is expected to result in an absent or disrupted protein product. Loss-of-function variants in ATM are known to be pathogenic (PMID: 23807571, 25614872). This variant is not present in population databases (gnomAD no frequency). This variant has not been reported in the literature in individuals affected with ATM-related conditions. For these reasons, this variant has been classified as Pathogenic.

Natera, Inc.
Classification: Likely pathogenic for Ataxia-telangiectasia. Last evaluated: 2024-07-14. Review status: criteria provided, single submitter. Criteria: Natera Variant Classification Schema (03/2026). Collection method: clinical testing. Allele origin: germline.
Comment: The c.1568del variant in ATM is a frameshift variant predicted to shift the reading frame beginning at codon 523 and leads to a stop codon 20 codons downstream. This variant is expected to result in nonsense mediated decay, truncation, or a dysfunctional protein product. This variant is rare in the general population with a frequency below the threshold expected for the associated phenotype(s). Given the available evidence, this variant is classified as Likely Pathogenic.

Literature cited by the submitters: PubMed 23807571 (cited by Labcorp Genetics (formerly Invitae), Labcorp); PubMed 25614872 (cited by Labcorp Genetics (formerly Invitae), Labcorp).